The following is an entry in ClinVar:

ClinVar aggregate classification (germline): Uncertain significance (1 of 4 stars; one submission).

Conditions:
Hereditary pancreatitis (PCTT). Also called: Hereditary chronic pancreatitis; PRSS1-Related Hereditary Pancreatitis. Identifiers: Orphanet 676, MedGen C0238339, MONDO:0008185, OMIM 167800.

gnomAD v4.1: 1 of 1,612,814 alleles (0.000062%); highest among the groups gnomAD compares: African/African-American, 0.0013%; no homozygotes.

Submission:

Ambry Genetics
Classification: Uncertain significance for Hereditary pancreatitis. Last evaluated: 2024-04-01. Review status: criteria provided, single submitter. Criteria: Ambry Variant Classification Scheme 2023. Collection method: clinical testing. Allele origin: germline.
Comment: The p.L45P variant (also known as c.134T>C), located in coding exon 2 of the CPA1 gene, results from a T to C substitution at nucleotide position 134. The leucine at codon 45 is replaced by proline, an amino acid with similar properties. This amino acid position is conserved. In addition, the in silico prediction for this alteration is inconclusive. Based on the available evidence, the clinical significance of this alteration remains unclear.

NM_001868.4(CPA1):c.134T>C (p.Leu45Pro)

Gene: CPA1 (carboxypeptidase A1; plus strand). Cytogenetic location: 7q32.2.
Variant type: single nucleotide variant.
Coding change: c.134T>C on transcript NM_001868.4 (MANE Select); coding-DNA position 134, T replaced by C.
Protein change: p.Leu45Pro; replaces leucine 45 with proline.
Molecular consequence: missense variant.
Genome position (GRCh38, 1-based): chr7:130,381,166, T>C. VCF-style: chr7-130381166-T-C. GRCh37 (hg19) VCF-style: chr7-130021007-T-C.
Other names: short protein forms L45P.
Identifiers: ClinVar variation 3269072 (VCV003269072.1).